The following is an entry in ClinVar:

NM_007294.4(BRCA1):c.637A>G (p.Arg213Gly)

Gene: BRCA1 (BRCA1 DNA repair associated; minus strand). Cytogenetic location: 17q21.31.
Variant type: single nucleotide variant.
Coding change: c.637A>G on transcript NM_007294.4 (MANE Select); coding-DNA position 637, A replaced by G.
Protein change: p.Arg213Gly; replaces arginine 213 with glycine.
Molecular consequence: missense variant. On other transcripts: non-coding transcript variant (1).
Genome position (GRCh38, 1-based): chr17:43,095,879, T>C on the plus strand (A>G on the coding strand, the complement: BRCA1 is on the minus strand). VCF-style: chr17-43095879-T-C. GRCh37 (hg19) VCF-style: chr17-41247896-T-C.
Other names: c.424A>G, p.Arg142Gly (NM_001407571.1, NM_001407853.1, NM_001407894.1 and 12 more transcripts); c.637A>G, p.Arg213Gly (NM_001407581.1, NM_001407582.1, NM_001407583.1 and 59 more transcripts); c.634A>G, p.Arg212Gly (NM_001407587.1, NM_001407590.1, NM_001407591.1 and 41 more transcripts); c.628A>G, p.Arg210Gly (NM_001407646.1, NM_001407647.1, NM_001408408.1); c.559A>G, p.Arg187Gly (NM_001407653.1, NM_001407654.1, NM_001407655.1 and 9 more transcripts); c.556A>G, p.Arg186Gly (NM_001407659.1, NM_001407660.1, NM_001407661.1 and 3 more transcripts); c.496A>G, p.Arg166Gly (NM_001407692.1, NM_001407694.1, NM_001407695.1 and 43 more transcripts); c.493A>G, p.Arg165Gly (NM_001407740.1, NM_001407741.1, NM_001407742.1 and 26 more transcripts); and 4 more; short protein forms R213G, R166G, R142G, R143G, R212G, R165G, R86G, R168G.
Identifiers: ClinVar variation 55652 (VCV000055652.18), dbSNP rs80357081, ClinGen allele CA003768.
Genomic context (GRCh38, chr17:43,095,879, plus strand): 5'-TGTTAAGTTGGCAAACTTTGCCATTACCCTTTTTTGCAGAATCCAAACTGATTTCATCCC[T>C]GGTTCCTTGAGGGGTGATTTGTAACAATTCTTGATCTCCCACACTATAGGGAAAAGACAG-3'
Protein context (NP_009225.1, residues 203-223): ELLQITPQGT[Arg213Gly]DEISLDSAKK

ClinVar aggregate classification (germline): Uncertain significance. Review status: criteria provided, multiple submitters, no conflicts (2 of 4 stars). 5 submissions from 5 submitters: Uncertain significance (4). 1 of the submissions does not count toward it. Last evaluated 2024-09-23.

Conditions:
Hereditary cancer-predisposing syndrome. Also called: Hereditary Cancer Syndrome; Hereditary neoplastic syndrome; Neoplastic Syndromes, Hereditary; Tumor predisposition. Identifiers: Orphanet 140162, MedGen C0027672, MeSH D009386, MONDO:0015356.
Breast-ovarian cancer, familial, susceptibility to, 1 (BROVCA1). Also called: BRCA1 Hereditary Breast and Ovarian Cancer; OVARIAN CANCER, SUSCEPTIBILITY TO. Identifiers: Orphanet 145, MedGen C2676676, MONDO:0011450, OMIM 604370. Disease mechanism: loss of function.
BRCA1-related cancer predisposition. Identifiers: MedGen CN377757, MONDO:0700268.
Hereditary breast ovarian cancer syndrome. Also called: BRCA1- and BRCA2-Associated Hereditary Breast and Ovarian Cancer; Hereditary breast and ovarian cancer syndrome; Hereditary breast and ovarian cancer syndrome (HBOC); Breast and ovarian cancer; Hereditary breast and/or ovarian cancer syndrome; Hereditary breast and ovarian cancer. Identifiers: Orphanet 145, MedGen C0677776, MeSH D061325, MONDO:0003582. Disease mechanism: loss of function.

Submissions (5):

All of Us Research Program, National Institutes of Health
Classification: Uncertain significance for BRCA1-related cancer predisposition. Last evaluated: 2024-09-23. Review status: criteria provided, single submitter. Criteria: ACMG Guidelines, 2015. Collection method: clinical testing. Allele origin: germline. Inheritance: Autosomal dominant inheritance. Observed: 1 variant allele, 1 heterozygote.
Comment: This study involves interpretation of variants in research participants for the purpose of population health screening. Participant phenotype was not available at the time of variant classification. Additional details can be found in publication PMID: 35346344, PMCID: PMC8962531

Ambry Genetics
Classification: Uncertain significance for Hereditary cancer-predisposing syndrome. Last evaluated: 2022-10-04. Review status: criteria provided, single submitter. Criteria: Ambry Variant Classification Scheme 2023. Collection method: clinical testing. Allele origin: germline.
Comment: The p.R213G variant (also known as c.637A>G), located in coding exon 8 of the BRCA1 gene, results from an A to G substitution at nucleotide position 637. The arginine at codon 213 is replaced by glycine, an amino acid with dissimilar properties. This amino acid position is not well conserved in available vertebrate species. In addition, the in silico prediction for this alteration is inconclusive. Since supporting evidence is limited at this time, the clinical significance of this alteration remains unclear.

Color Diagnostics, LLC DBA Color Health
Classification: Uncertain significance for Hereditary cancer-predisposing syndrome. Last evaluated: 2019-05-16. Review status: criteria provided, single submitter. Criteria: ACMG Guidelines, 2015. Collection method: clinical testing. Allele origin: germline.

Labcorp Genetics (formerly Invitae), Labcorp
Classification: Uncertain significance for Hereditary breast ovarian cancer syndrome. Last evaluated: 2018-01-24. Review status: criteria provided, single submitter. Criteria: Invitae Variant Classification Sherloc (09022015). Collection method: clinical testing. Allele origin: germline.
Comment: This variant is not present in population databases (ExAC no frequency). This sequence change replaces arginine with glycine at codon 213 of the BRCA1 protein (p.Arg213Gly). The arginine residue is weakly conserved and there is a moderate physicochemical difference between arginine and glycine. This variant has been observed in an individual the Breast Cancer Information Core database (PMID: 10923033). In that individual a pathogenic allele was also identified in BRCA2 which suggests that this c.637A>G variant was not the primary cause of disease. This variant was also reported in an individual who underwent genetic testing for BRCA1 (PMID: 15235020). ClinVar contains an entry for this variant (Variation ID: 55652). Algorithms developed to predict the effect of missense changes on protein structure and function output the following: SIFT: "Tolerated"; PolyPhen-2: "Benign"; Align-GVGD: "Class C0". The glycine amino acid residue is found in multiple mammalian species, suggesting that this missense change does not adversely affect protein function. These predictions have not been confirmed by published functional studies and their clinical significance is uncertain. In summary, the available evidence is currently insufficient to determine the role of this variant in disease. Therefore, it has been classified as a Variant of Uncertain Significance.

Breast Cancer Information Core (BIC) (BRCA1)
Classification: Uncertain significance for Breast-ovarian cancer, familial 1. Last evaluated: 2002-05-29. Review status: no assertion criteria provided. Collection method: clinical testing. Allele origin: germline. Affected: yes. Observed: 1 variant allele. Not counted in ClinVar's aggregate classification.

Literature cited by the submitters: PubMed 15235020 (cited by Ambry Genetics and Labcorp Genetics (formerly Invitae), Labcorp); PubMed 10923033 (cited by Labcorp Genetics (formerly Invitae), Labcorp).